The following is an entry in ClinVar:

NM_001379291.1(BRD4):c.3636C>T (p.Thr1212=)

Gene: BRD4 (bromodomain containing 4; minus strand). Cytogenetic location: 19p13.12.
Variant type: single nucleotide variant.
Coding change: c.3636C>T on transcript NM_001379291.1 (MANE Select); coding-DNA position 3636, C replaced by T.
Protein change: p.Thr1212=; no amino-acid change (threonine 1212 retained).
Molecular consequence: synonymous variant.
Genome position (GRCh38, 1-based): chr19:15,239,205, G>A on the plus strand (C>T on the coding strand, the complement: BRD4 is on the minus strand). VCF-style: chr19-15239205-G-A. GRCh37 (hg19) VCF-style: chr19-15350016-G-A.
Other names: c.3636C>T, p.Thr1212= (NM_058243.3).
Identifiers: ClinVar variation 2649446 (VCV002649446.24), dbSNP rs1461157477, ClinGen allele CA506079987.
Genomic context (GRCh38, chr19:15,239,205, plus strand): 5'-CCGAGCGGCGCGGCGGAACTGCTCGAAGCTGTCGCTGGATGACTTGGCTGTGGAGGAGGG[G>A]GTGGTCGGATGCTTCTGCACTAGGCTGGCCCAGGAGCCCATGTTCTTGATTTTCAGGTCC-3'
Protein context (NP_001366220.1, residues 1202-1222): WASLVQKHPT[Thr1212=]PSSTAKSSSD

ClinVar aggregate classification (germline): Likely benign (1 of 4 stars; one submission).

Allele frequency attached by ClinVar (database versions not stated): gnomAD exomes below 0.00001; TOPMed below 0.00001.

Submission:

CeGaT Center for Human Genetics Tuebingen
Classification: Likely benign. Last evaluated: 2023-04-01. Review status: criteria provided, single submitter. Criteria: CeGaT Center For Human Genetics Tuebingen Variant Classification Criteria Version 2. Collection method: clinical testing. Allele origin: germline. Affected: yes. Observed: 1 variant allele.
Comment: BRD4: PM2:Supporting, BP4, BP7